The following is an entry in ClinVar:

ClinVar aggregate classification (germline): Uncertain significance (1 of 4 stars; one submission).

gnomAD v4.1: 1 of 1,603,128 alleles (0.000062%); highest among the groups gnomAD compares: African/African-American, 0.0013%; no homozygotes.

Submission:

Labcorp Genetics (formerly Invitae), Labcorp
Classification: Uncertain significance. Last evaluated: 2024-11-19. Review status: criteria provided, single submitter. Criteria: Invitae Variant Classification Sherloc (09022015). Collection method: clinical testing. Allele origin: germline.
Comment: This sequence change replaces serine, which is neutral and polar, with tyrosine, which is neutral and polar, at codon 176 of the POLR1A protein (p.Ser176Tyr). This variant is not present in population databases (gnomAD no frequency). This variant has not been reported in the literature in individuals affected with POLR1A-related conditions. Invitae Evidence Modeling of protein sequence and biophysical properties (such as structural, functional, and spatial information, amino acid conservation, physicochemical variation, residue mobility, and thermodynamic stability) indicates that this missense variant is not expected to disrupt POLR1A protein function with a negative predictive value of 80%. In summary, the available evidence is currently insufficient to determine the role of this variant in disease. Therefore, it has been classified as a Variant of Uncertain Significance.

NM_015425.6(POLR1A):c.527C>A (p.Ser176Tyr)

Gene: POLR1A (RNA polymerase I subunit A; minus strand). Cytogenetic location: 2p11.2.
Variant type: single nucleotide variant.
Coding change: c.527C>A on transcript NM_015425.6 (MANE Select); coding-DNA position 527, C replaced by A.
Protein change: p.Ser176Tyr; replaces serine 176 with tyrosine.
Molecular consequence: missense variant.
Genome position (GRCh38, 1-based): chr2:86,089,835, G>T on the plus strand (C>A on the coding strand, the complement: POLR1A is on the minus strand). VCF-style: chr2-86089835-G-T. GRCh37 (hg19) VCF-style: chr2-86316958-G-T.
Other names: short protein forms S176Y.
Identifiers: ClinVar variation 3701697 (VCV003701697.2).